The following is an entry in ClinVar:

NM_005476.7(GNE):c.1127C>T (p.Ser376Phe)

Gene: GNE (glucosamine (UDP-N-acetyl)-2-epimerase/N-acetylmannosamine kinase; minus strand). Cytogenetic location: 9p13.3.
Variant type: single nucleotide variant.
Coding change: c.1127C>T on transcript NM_005476.7 (MANE Select); coding-DNA position 1127, C replaced by T.
Protein change: p.Ser376Phe; replaces serine 376 with phenylalanine.
Molecular consequence: missense variant.
Genome position (GRCh38, 1-based): chr9:36,227,402, G>A on the plus strand (C>T on the coding strand, the complement: GNE is on the minus strand). VCF-style: chr9-36227402-G-A. GRCh37 (hg19) VCF-style: chr9-36227399-G-A.
Other names: c.1220C>T, p.Ser407Phe (NM_001128227.3); c.1127C>T, p.Ser376Phe (NM_001190383.3); c.797C>T, p.Ser266Phe (NM_001190384.3); c.950C>T, p.Ser317Phe (NM_001190388.2, NM_001374798.1); c.974C>T, p.Ser325Phe (NM_001374797.1); short protein forms S266F, S407F, S317F, S376F, S325F.
Identifiers: ClinVar variation 2186223 (VCV002186223.1), dbSNP rs761815140, ClinGen allele CA373429010.
Genomic context (GRCh38, chr9:36,227,402, plus strand): 5'-ATATTCTCCTTCACAGGAGGAAAGCAGAATTTCTTTTGCAGTGGCTCTTGAAGATCGATA[G>A]ATTTGAGAAACTTCAAAATCCTTGGAACAGCATTTCCATCCCCATATATCTTTGAACTGC-3'
Protein context (NP_005467.1, residues 366-386): AVPRILKFLK[Ser376Phe]IDLQEPLQKK

ClinVar aggregate classification (germline): Uncertain significance (1 of 4 stars; one submission).

Conditions:
GNE myopathy (NM). Also called: INCLUSION BODY MYOPATHY 2, AUTOSOMAL RECESSIVE; MYOPATHY, DISTAL, WITH OR WITHOUT RIMMED VACUOLES; IBM 2; Inclusion body myopathy autosomal recessive; Inclusion body myopathy quadriceps sparing; INCLUSION BODY MYOPATHY, HEREDITARY, AUTOSOMAL RECESSIVE. Identifiers: Orphanet 602, MedGen C1853926, MONDO:0011603, OMIM 605820.
Sialuria. Also called: SIALURIA, FRENCH TYPE; Sialic Acid Storage Disease. Identifiers: Orphanet 3166, MedGen C0342853, MONDO:0010028, OMIM 269921.

Submission:

Labcorp Genetics (formerly Invitae), Labcorp
Classification: Uncertain significance for Sialuria; GNE myopathy. Last evaluated: 2022-10-19. Review status: criteria provided, single submitter. Criteria: Invitae Variant Classification Sherloc (09022015). Collection method: clinical testing. Allele origin: germline.
Comment: This sequence change replaces serine, which is neutral and polar, with phenylalanine, which is neutral and non-polar, at codon 407 of the GNE protein (p.Ser407Phe). This variant is not present in population databases (gnomAD no frequency). This variant has not been reported in the literature in individuals affected with GNE-related conditions. Algorithms developed to predict the effect of missense changes on protein structure and function (SIFT, PolyPhen-2, Align-GVGD) all suggest that this variant is likely to be disruptive. In summary, the available evidence is currently insufficient to determine the role of this variant in disease. Therefore, it has been classified as a Variant of Uncertain Significance.